The following is an entry in ClinVar:

ClinVar aggregate classification (germline): Likely pathogenic (1 of 4 stars; one submission).

Submission:

CeGaT Center for Human Genetics Tuebingen
Classification: Likely pathogenic. Last evaluated: 2026-08-01. Review status: criteria provided, single submitter. Criteria: CeGaT Center For Human Genetics Tuebingen Variant Classification Criteria Version 2. Collection method: clinical testing. Allele origin: germline. Affected: yes. Observed: 1 variant allele.
Comment: TTN: PVS1:Strong, PM2

NM_001267550.2(TTN):c.60880del (p.Leu20294fs)

Genes: TTN (titin; minus strand), TTN-AS1 (TTN antisense RNA 1; plus strand). Cytogenetic location: 2q31.2.
Variant type: Deletion.
Coding change: c.60880del on transcript NM_001267550.2 (MANE Select); coding-DNA position 60880, one base deleted (C; older notation c.60880delC).
Protein change: p.Leu20294fs; shifts the reading frame from leucine 20294.
Molecular consequence: frameshift variant.
Genome position (GRCh38, 1-based): chr2:178,590,845, G deleted on the plus strand (C on the coding strand, the reverse complement: TTN is on the minus strand); the first of 3 consecutive G bases (chr2:178,590,845-178,590,847); deleting any one gives the same sequence. VCF-style (leftmost placement, unchanged base first): chr2-178590844-AG-A. GRCh37 (hg19) VCF-style: chr2-179455571-AG-A.
Other names: c.55957del, p.Leu18653fs (NM_001256850.1); c.33685del, p.Leu11229fs (NM_003319.4); c.53176del, p.Leu17726fs (NM_133378.4); c.34060del, p.Leu11354fs (NM_133432.3); c.34261del, p.Leu11421fs (NM_133437.4); short protein forms L11229fs, L11354fs, L11421fs, L17726fs, L18653fs, L20294fs.
Identifiers: ClinVar variation 5040415 (VCV005040415.1).
Genomic context (GRCh38, chr2:178,590,844, plus strand): 5'-GTTACTTCTCGACGTTCCATATAGTAGCCAGTTATTGGACTGCCACCATCAGATTTTGGC[AG>A]GGTCCAAGACACTGTTGCTGCATTTTCAGTAATGTCAGTAACCACTGGTTTACCAGGAGG-3'